The following is an entry in ClinVar:

ClinVar aggregate classification (germline): Uncertain significance (1 of 4 stars; one submission).

Conditions:
Aortic aneurysm, familial thoracic 4 (AAT4). Also called: AORTIC ANEURYSM/AORTIC DISSECTION AND PATENT DUCTUS ARTERIOSUS. Identifiers: MedGen C1851504, MONDO:0007568, OMIM 132900.

Submission:

Labcorp Genetics (formerly Invitae), Labcorp
Classification: Uncertain significance for Aortic aneurysm, familial thoracic 4. Last evaluated: 2025-12-21. Review status: criteria provided, single submitter. Criteria: Invitae Variant Classification Sherloc (09022015). Collection method: clinical testing. Allele origin: germline.
Comment: This sequence change replaces leucine, which is neutral and non-polar, with proline, which is neutral and non-polar, at codon 1229 of the MYH11 protein (p.Leu1229Pro). This variant is not present in population databases (gnomAD no frequency). This variant has not been reported in the literature in individuals affected with MYH11-related conditions. Invitae Evidence Modeling of protein sequence and biophysical properties (such as structural, functional, and spatial information, amino acid conservation, physicochemical variation, residue mobility, and thermodynamic stability) indicates that this missense variant is not expected to disrupt MYH11 protein function with a negative predictive value of 80%. In summary, the available evidence is currently insufficient to determine the role of this variant in disease. Therefore, it has been classified as a Variant of Uncertain Significance.

NM_002474.3(MYH11):c.3665T>C (p.Leu1222Pro)

Gene: MYH11 (myosin heavy chain 11; minus strand). Cytogenetic location: 16p13.11.
Variant type: single nucleotide variant.
Coding change: c.3665T>C on transcript NM_002474.3 (MANE Select); coding-DNA position 3665, T replaced by C.
Protein change: p.Leu1222Pro; replaces leucine 1222 with proline.
Molecular consequence: missense variant.
Genome position (GRCh38, 1-based): chr16:15,727,041, A>G on the plus strand (T>C on the coding strand, the complement: MYH11 is on the minus strand). VCF-style: chr16-15727041-A-G. GRCh37 (hg19) VCF-style: chr16-15820898-A-G.
Other names: c.3686T>C, p.Leu1229Pro (NM_001040113.2, NM_001040114.2); c.3665T>C, p.Leu1222Pro (NM_022844.3); short protein forms L1222P, L1229P.
Identifiers: ClinVar variation 4745878 (VCV004745878.1).
Genomic context (GRCh38, chr16:15,727,041, plus strand): 5'-ACCCGCAGCTCCCCGGCCAGGTCTGCGTTCTCTTTCTCCAGCGTCTGCTTATTCTTGTCT[A>G]GGTTCGCCTTGGCCTGGCGAAGGAAGCAGAGGGGAGGGATAACAGGGAGGCTGTGGCCGG-3'
Protein context (NP_002465.1, residues 1212-1232): LEQFKRAKAN[Leu1222Pro]DKNKQTLEKE